The following is an entry in ClinVar:

ClinVar aggregate classification (germline): Pathogenic (1 of 4 stars; one submission).

Conditions:
Dextro-looped transposition of the great arteries. Also called: Dextrotransposition of the great arteries. Identifiers: Orphanet 860, MedGen C3531771, MONDO:0019443, OMIM 608808, HP:0031348.

Submission:

Labcorp Genetics (formerly Invitae), Labcorp
Classification: Pathogenic for Dextro-looped transposition of the great arteries. Last evaluated: 2021-12-15. Review status: criteria provided, single submitter. Criteria: Invitae Variant Classification Sherloc (09022015). Collection method: clinical testing. Allele origin: germline.
Comment: This variant is a gross deletion of the genomic region encompassing exon(s) 22-23 of the MED13L gene. This deletion is out-of-frame, and is expected to create a premature termination codon and result in an absent or disrupted protein product. Loss-of-function variants in MED13L are known to be pathogenic (PMID: 25712080, 25758992). For these reasons, this variant has been classified as Pathogenic. This variant has not been reported in the literature in individuals affected with MED13L-related conditions.

Literature cited by the submitters: PubMed 25712080; PubMed 25758992.

NC_000012.11:g.(?_116418535)_(116420428_?)del

Gene: MED13L (mediator complex subunit 13L; minus strand). Cytogenetic location: 12q24.21.
Variant type: Deletion.
Identifiers: ClinVar variation 2426138 (VCV002426138.6).